The following is an entry in ClinVar:

NM_014141.6(CNTNAP2):c.3393T>C (p.Tyr1131=)

Gene: CNTNAP2 (contactin associated protein 2; plus strand). Cytogenetic location: 7q36.1.
Variant type: single nucleotide variant.
Coding change: c.3393T>C on transcript NM_014141.6 (MANE Select); coding-DNA position 3393, T replaced by C.
Protein change: p.Tyr1131=; no amino-acid change (tyrosine 1131 retained).
Molecular consequence: synonymous variant.
Genome position (GRCh38, 1-based): chr7:148,267,044, T>C. VCF-style: chr7-148267044-T-C. GRCh37 (hg19) VCF-style: chr7-147964136-T-C.
Identifiers: ClinVar variation 3033441 (VCV003033441.2), dbSNP rs2536697539, ClinGen allele CA458507392.

ClinVar aggregate classification (germline): Likely benign (0 of 4 stars; one submission).

Conditions:
CNTNAP2-related disorder. Also called: CNTNAP2-related condition.

Submission:

PreventionGenetics, part of Exact Sciences
Classification: Likely benign for CNTNAP2-related condition. Last evaluated: 2019-06-13. Review status: no assertion criteria provided. Collection method: clinical testing. Allele origin: germline.
Comment: This variant is classified as likely benign based on ACMG/AMP sequence variant interpretation guidelines (Richards et al. 2015 PMID: 25741868, with internal and published modifications).